The following is an entry in ClinVar:

NM_003995.4(NPR2):c.1888-3C>A

Gene: NPR2 (natriuretic peptide receptor 2; plus strand). Cytogenetic location: 9p13.3.
Variant type: single nucleotide variant.
Coding change: c.1888-3C>A on transcript NM_003995.4 (MANE Select); 3 bases into the intron before coding-DNA position 1888, C replaced by A.
Molecular consequence: intron variant.
Genome position (GRCh38, 1-based): chr9:35,805,508, C>A. VCF-style: chr9-35805508-C-A. GRCh37 (hg19) VCF-style: chr9-35805505-C-A.
Other names: c.1897-3C>A (NM_001378923.1).
Identifiers: ClinVar variation 2953918 (VCV002953918.3), dbSNP rs1828334192, ClinGen allele CA2740095468.

ClinVar aggregate classification (germline): Uncertain significance (1 of 4 stars; one submission).

Conditions:
Acromesomelic dysplasia 1, Maroteaux type (AMD1). Also called: ST. HELENA DYSPLASIA; ACROMESOMELIC DYSPLASIA 1. Identifiers: Orphanet 40, MedGen C1864356, MONDO:0011275, OMIM 602875.
Tall stature-scoliosis-macrodactyly of the great toes syndrome. Also called: Epiphyseal chondrodysplasia, miura type. Identifiers: Orphanet 329191, MedGen C4014690, MONDO:0014401, OMIM 615923.

Submission:

Labcorp Genetics (formerly Invitae), Labcorp
Classification: Uncertain significance for Tall stature-scoliosis-macrodactyly of the great toes syndrome; Acromesomelic dysplasia 1, Maroteaux type. Last evaluated: 2025-01-15. Review status: criteria provided, single submitter. Criteria: Invitae Variant Classification Sherloc (09022015). Collection method: clinical testing. Allele origin: germline.
Comment: This sequence change falls in intron 12 of the NPR2 gene. It does not directly change the encoded amino acid sequence of the NPR2 protein. It affects a nucleotide within the consensus splice site. This variant is not present in population databases (gnomAD no frequency). This variant has not been reported in the literature in individuals affected with NPR2-related conditions. ClinVar contains an entry for this variant (Variation ID: 2953918). Variants that disrupt the consensus splice site are a relatively common cause of aberrant splicing (PMID: 17576681, 9536098). Algorithms developed to predict the effect of sequence changes on RNA splicing suggest that this variant may disrupt the consensus splice site. In summary, the available evidence is currently insufficient to determine the role of this variant in disease. Therefore, it has been classified as a Variant of Uncertain Significance.

Literature cited by the submitters: PubMed 17576681; PubMed 9536098.